The following is an entry in ClinVar:

ClinVar aggregate classification (germline): Uncertain significance. Review status: criteria provided, multiple submitters, no conflicts (2 of 4 stars). 3 submissions from 3 submitters: Uncertain significance (3). Last evaluated 2024-07-12.

Conditions:
Immunodeficiency, common variable, 2 (CVID2). Also called: ANTIBODY DEFICIENCY DUE TO TACI DEFECT; HYPOGAMMAGLOBULINEMIA DUE TO TACI DEFICIENCY. Identifiers: Orphanet 1572, MedGen C3150354, MONDO:0009413, OMIM 240500.

Allele frequency attached by ClinVar (database versions not stated): ExAC 0.00001.
gnomAD v4.1: 43 of 1,613,864 alleles (0.0027%); highest among the groups gnomAD compares: Non-Finnish European, 0.0034%; no homozygotes.

Submissions (3):

ARUP Laboratories, Molecular Genetics and Genomics, ARUP Laboratories
Classification: Uncertain significance. Last evaluated: 2024-07-12. Review status: criteria provided, single submitter. Criteria: ARUP Molecular Germline Variant Investigation Process 2024. Collection method: clinical testing. Allele origin: germline.
Comment: The TNFRSF13B c.571G>C; p.Asp191His variant (rs753867822), to our knowledge, is not reported in the medical literature but is reported in ClinVar (Variation ID: 3009600). This variant is found in the non-Finnish European population with an allele frequency of 0.005% (6/128,404 alleles) in the Genome Aggregation Database (v2.1.1). Computational analyses are uncertain whether this variant is neutral or deleterious (REVEL: 0.374). Due to limited information, the clinical significance of this variant is uncertain at this time.

Labcorp Genetics (formerly Invitae), Labcorp
Classification: Uncertain significance for Immunodeficiency, common variable, 2. Last evaluated: 2023-09-08. Review status: criteria provided, single submitter. Criteria: Invitae Variant Classification Sherloc (09022015). Collection method: clinical testing. Allele origin: germline.
Comment: This sequence change replaces aspartic acid, which is acidic and polar, with histidine, which is basic and polar, at codon 191 of the TNFRSF13B protein (p.Asp191His). This variant is present in population databases (rs753867822, gnomAD 0.005%). This variant has not been reported in the literature in individuals affected with TNFRSF13B-related conditions. Advanced modeling of protein sequence and biophysical properties (such as structural, functional, and spatial information, amino acid conservation, physicochemical variation, residue mobility, and thermodynamic stability) performed at Invitae indicates that this missense variant is not expected to disrupt TNFRSF13B protein function. In summary, the available evidence is currently insufficient to determine the role of this variant in disease. Therefore, it has been classified as a Variant of Uncertain Significance.

Blueprint Genetics
Classification: Uncertain significance. Last evaluated: 2020-09-12. Review status: criteria provided, single submitter. Criteria: ACMG Guidelines, 2015. Collection method: clinical testing. Allele origin: germline.

NM_012452.3(TNFRSF13B):c.571G>C (p.Asp191His)

Gene: TNFRSF13B (TNF receptor superfamily member 13B; minus strand). Cytogenetic location: 17p11.2.
Variant type: single nucleotide variant.
Coding change: c.571G>C on transcript NM_012452.3 (MANE Select); coding-DNA position 571, G replaced by C.
Protein change: p.Asp191His; replaces aspartic acid 191 with histidine.
Molecular consequence: missense variant.
Genome position (GRCh38, 1-based): chr17:16,940,386, C>G on the plus strand (G>C on the coding strand, the complement: TNFRSF13B is on the minus strand). VCF-style: chr17-16940386-C-G. GRCh37 (hg19) VCF-style: chr17-16843700-C-G.
Other names: short protein forms D191H.
Identifiers: ClinVar variation 3009600 (VCV003009600.3), dbSNP rs753867822, ClinGen allele CA8413942.
Genomic context (GRCh38, chr17:16,940,386, plus strand): 5'-CCTGGGAAGACTTGGCCGGACTTTGACGGGGCCTTGAGCGGGGCTGGCAGGAGCAGGGAT[C>G]CCCCCTCTTCTTGAGGAAGCAGGCCACCGCCACCAGGAAGCAGCAGAGGACGGCACACAG-3'
Protein context (NP_036584.1, residues 181-201): AVACFLKKRG[Asp191His]PCSCQPRSRP